The following is an entry in ClinVar:

NM_006306.4(SMC1A):c.3507+5G>A

Gene: SMC1A (structural maintenance of chromosomes 1A; minus strand). Cytogenetic location: Xp11.22.
Variant type: single nucleotide variant.
Coding change: c.3507+5G>A on transcript NM_006306.4 (MANE Select); 5 bases into the intron after coding-DNA position 3507, G replaced by A.
Molecular consequence: intron variant.
Genome position (GRCh38, 1-based): chrX:53,381,013, C>T on the plus strand (G>A on the coding strand, the complement: SMC1A is on the minus strand). VCF-style: chrX-53381013-C-T. GRCh37 (hg19) VCF-style: chrX-53407934-C-T.
Other names: NM_006306.4:c.3507+5G>A; c.3441+5G>A (NM_001281463.1).
Identifiers: ClinVar variation 2500872 (VCV002500872.1), dbSNP rs2520815275, ClinGen allele CA2573332203.
Genomic context (GRCh38, chrX:53,381,013, plus strand): 5'-TGCTCCCTGAAACCCAACCCCGACCTGGGGGCATCCCTCCCAGGCCCCACTTTCTTTGCA[C>T]CCACCTTGCCAATGTTGGTGTTATCCAAGGCAGCATCAATCTCATCCAGGACGAAGAAGG-3'

ClinVar aggregate classification (germline): Uncertain significance (1 of 4 stars; one submission).

Conditions:
Congenital muscular hypertrophy-cerebral syndrome (CDLS2). Also called: Cornelia de Lange syndrome 2; SMC1A-Related Cornelia de Lange Syndrome. Identifiers: Orphanet 199, MedGen C1802395, MONDO:0010370, OMIM 300590.

Submission:

Broad Center for Mendelian Genomics, Broad Institute of MIT and Harvard
Classification: Uncertain significance for Congenital muscular hypertrophy-cerebral syndrome. Last evaluated: 2023-05-02. Review status: criteria provided, single submitter. Criteria: ACMG Guidelines, 2015. Collection method: curation. Allele origin: germline. Inheritance: X-linked inheritance.
Comment: Trio exome analysis showed this variant to be de novo. The c.3507+5G>A variant in SMC1A has not been previously reported in individuals with Cornelia de Lange syndrome 2. This variant was absent from large population studies. This variant is located in the 5' splice region. Computational tools do not suggest an impact to splicing. However, this information is not predictive enough to rule out pathogenicity. In summary, the clinical significance of the c.3507+5G>A variant is uncertain. ACMG/AMP Criteria applied: PS2_Moderate, PM2_Supporting (Richards 2015).